The following is an entry in ClinVar:

ClinVar aggregate classification (germline): Likely benign. Review status: criteria provided, multiple submitters, no conflicts (2 of 4 stars). 2 submissions from 2 submitters: Likely benign (2). Last evaluated 2026-01-11.

Allele frequency attached by ClinVar (database versions not stated): ExAC 0.00004; gnomAD 0.00004 and 0.00005; gnomAD exomes 0.00004; TOPMed 0.00004; 1000 Genomes Project 30x 0.00016; 1000 Genomes Project 0.00020.
gnomAD v4.1: 42 of 1,614,034 alleles (0.0026%); highest among the groups gnomAD compares: Middle Eastern, 0.017%; no homozygotes.

Submissions (2):

Labcorp Genetics (formerly Invitae), Labcorp
Classification: Likely benign. Last evaluated: 2026-01-11. Review status: criteria provided, single submitter. Criteria: Invitae Variant Classification Sherloc (09022015). Collection method: clinical testing. Allele origin: germline.

CeGaT Center for Human Genetics Tuebingen
Classification: Likely benign. Last evaluated: 2023-04-01. Review status: criteria provided, single submitter. Criteria: CeGaT Center For Human Genetics Tuebingen Variant Classification Criteria Version 2. Collection method: clinical testing. Allele origin: germline. Affected: yes. Observed: 1 variant allele.
Comment: DUOX2: BP4, BP7

NM_001363711.2(DUOX2):c.4485C>T (p.Phe1495=)

Gene: DUOX2 (dual oxidase 2; minus strand). Cytogenetic location: 15q21.1.
Variant type: single nucleotide variant.
Coding change: c.4485C>T on transcript NM_001363711.2 (MANE Select); coding-DNA position 4485, C replaced by T.
Protein change: p.Phe1495=; no amino-acid change (phenylalanine 1495 retained).
Molecular consequence: synonymous variant.
Genome position (GRCh38, 1-based): chr15:45,094,602, G>A on the plus strand (C>T on the coding strand, the complement: DUOX2 is on the minus strand). VCF-style: chr15-45094602-G-A. GRCh37 (hg19) VCF-style: chr15-45386800-G-A.
Other names: c.4485C>T, p.Phe1495= (NM_014080.5).
Identifiers: ClinVar variation 1597660 (VCV001597660.32), dbSNP rs556008835, ClinGen allele CA7537496.